The following is an entry in ClinVar:

NM_001961.4(EEF2):c.1202T>C (p.Met401Thr)

Gene: EEF2 (eukaryotic translation elongation factor 2; minus strand). Cytogenetic location: 19p13.3.
Variant type: single nucleotide variant.
Coding change: c.1202T>C on transcript NM_001961.4 (MANE Select); coding-DNA position 1202, T replaced by C.
Protein change: p.Met401Thr; replaces methionine 401 with threonine.
Molecular consequence: missense variant.
Genome position (GRCh38, 1-based): chr19:3,980,658, A>G on the plus strand (T>C on the coding strand, the complement: EEF2 is on the minus strand). VCF-style: chr19-3980658-A-G. GRCh37 (hg19) VCF-style: chr19-3980656-A-G.
Other names: short protein forms M401T.
Identifiers: ClinVar variation 3363296 (VCV003363296.1).

ClinVar aggregate classification (germline): Uncertain significance (1 of 4 stars; one submission).

Submission:

GeneDx
Classification: Uncertain significance. Last evaluated: 2023-11-06. Review status: criteria provided, single submitter. Criteria: GeneDx Variant Classification Process June 2021. Collection method: clinical testing. Allele origin: germline. Affected: yes.
Comment: Not observed at significant frequency in large population cohorts (gnomAD); In silico analysis supports that this missense variant has a deleterious effect on protein structure/function; Has not been previously published as pathogenic or benign to our knowledge